The following is an entry in ClinVar:

ClinVar aggregate classification (germline): Uncertain significance (1 of 4 stars; one submission).

Conditions:
Mucopolysaccharidosis, MPS-III-A (MPS3A). Also called: HEPARAN SULFATE SULFATASE DEFICIENCY; SANFILIPPO SYNDROME A; SULFAMIDASE DEFICIENCY; MPS III A; MPS IIIA (Sanfilippo Syndrome Type A); Mucopolysaccharidosis type IIIA (Sanfilippo A). Identifiers: Orphanet 581, Orphanet 79269, MedGen C0086647, MONDO:0009655, OMIM 252900.

Allele frequency attached by ClinVar (database versions not stated): gnomAD exomes 0.00001; ExAC 0.00001.

Submission:

Labcorp Genetics (formerly Invitae), Labcorp
Classification: Uncertain significance for Mucopolysaccharidosis, MPS-III-A. Last evaluated: 2024-10-15. Review status: criteria provided, single submitter. Criteria: Invitae Variant Classification Sherloc (09022015). Collection method: clinical testing. Allele origin: germline.
Comment: This sequence change replaces glycine, which is neutral and non-polar, with glutamic acid, which is acidic and polar, at codon 33 of the SGSH protein (p.Gly33Glu). This variant is present in population databases (rs762732038, gnomAD 0.004%). This variant has not been reported in the literature in individuals affected with SGSH-related conditions. ClinVar contains an entry for this variant (Variation ID: 1484078). Invitae Evidence Modeling of protein sequence and biophysical properties (such as structural, functional, and spatial information, amino acid conservation, physicochemical variation, residue mobility, and thermodynamic stability) has been performed for this missense variant. However, the output from this modeling did not meet the statistical confidence thresholds required to predict the impact of this variant on SGSH protein function. In summary, the available evidence is currently insufficient to determine the role of this variant in disease. Therefore, it has been classified as a Variant of Uncertain Significance.

NM_000199.5(SGSH):c.98G>A (p.Gly33Glu)

Gene: SGSH (N-sulfoglucosamine sulfohydrolase; minus strand). Cytogenetic location: 17q25.3.
Variant type: single nucleotide variant.
Coding change: c.98G>A on transcript NM_000199.5 (MANE Select); coding-DNA position 98, G replaced by A.
Protein change: p.Gly33Glu; replaces glycine 33 with glutamic acid.
Molecular consequence: missense variant. On other transcripts: non-coding transcript variant (1).
Genome position (GRCh38, 1-based): chr17:80,217,183, C>T on the plus strand (G>A on the coding strand, the complement: SGSH is on the minus strand). VCF-style: chr17-80217183-C-T. GRCh37 (hg19) VCF-style: chr17-78190982-C-T.
Other names: c.98G>A, p.Gly33Glu (NM_001352921.3, NM_001352922.2); short protein forms G33E.
Identifiers: ClinVar variation 1484078 (VCV001484078.6), dbSNP rs762732038, ClinGen allele CA8818171.
Genomic context (GRCh38, chr17:80,217,183, plus strand): 5'-AAGGCGTCCAGGTGCGGGGTGGCGATGGCGCTGTTGTTGTACGCGCCACTCTCAAAGCCT[C>T]CGTCATCCGCTGCGTGAGGTGGGAGACAGAGAGTGCACGGTCGGCTGCGGTCACGAGAAA-3'
Protein context (NP_000190.1, residues 23-43): RNALLLLADD[Gly33Glu]GFESGAYNNS